The following is an entry in ClinVar:

NM_006231.4(POLE):c.2089C>T (p.Pro697Ser)

Gene: POLE (DNA polymerase epsilon, catalytic subunit; minus strand). Cytogenetic location: 12q24.33.
Variant type: single nucleotide variant.
Coding change: c.2089C>T on transcript NM_006231.4 (MANE Select); coding-DNA position 2089, C replaced by T.
Protein change: p.Pro697Ser; replaces proline 697 with serine.
Molecular consequence: missense variant.
Genome position (GRCh38, 1-based): chr12:132,668,440, G>A on the plus strand (C>T on the coding strand, the complement: POLE is on the minus strand). VCF-style: chr12-132668440-G-A. GRCh37 (hg19) VCF-style: chr12-133245026-G-A.
Other names: short protein forms P697S.
Identifiers: ClinVar variation 240422 (VCV000240422.50), dbSNP rs5744800, ClinGen allele CA6893687.
Genomic context (GRCh38, chr12:132,668,440, plus strand): 5'-TCGCCTGTTCCTCGCGGGACAGTTCATGAAAGGCCCGAGCTGGCCCCTCTGGGAACAAGG[G>A]GGGGAACTTCTCTGACTCCAGCTGGTGCTGGATCCGATGGTATTCGCTGCGACTGGCTGG-3'
Protein context (NP_006222.2, residues 687-707): QHQLESEKFP[Pro697Ser]LFPEGPARAF

ClinVar aggregate classification (germline): Benign/Likely benign. Review status: criteria provided, multiple submitters, no conflicts (2 of 4 stars). 15 submissions from 15 submitters: Benign (9); Likely benign (5). 1 of the submissions does not count toward it. Last evaluated 2026-06-01.

Conditions:
Colorectal cancer, susceptibility to, 12 (CRCS12). Also called: COLORECTAL CANCER, SUSCEPTIBILITY TO, ON CHROMOSOME 12q24. Identifiers: Orphanet 220460, MedGen C3554460, MONDO:0014038, OMIM 615083.
Hereditary cancer-predisposing syndrome. Also called: Tumor predisposition; Hereditary Cancer Syndrome; Neoplastic Syndromes, Hereditary; Hereditary neoplastic syndrome. Identifiers: Orphanet 140162, MedGen C0027672, MeSH D009386, MONDO:0015356.
Malignant tumor of breast. Also called: Cancer breast; Malignant breast neoplasm. Identifiers: MedGen C0006142, MONDO:0007254. Disease mechanism: loss of function.

Allele frequency attached by ClinVar (database versions not stated): ESP Exome Variant Server 0.00369; 1000 Genomes Project 0.00419; 1000 Genomes Project 30x 0.00422; TOPMed 0.00511.
gnomAD v4.1: 1,359 of 1,612,760 alleles (0.084%); highest among the groups gnomAD compares: African/African-American, 1.5%; 11 homozygotes.

Submissions (15):

CeGaT Center for Human Genetics Tuebingen
Classification: Likely benign. Last evaluated: 2026-06-01. Review status: criteria provided, single submitter. Criteria: CeGaT Center For Human Genetics Tuebingen Variant Classification Criteria Version 2. Collection method: clinical testing. Allele origin: germline. Affected: yes. Observed: 5 variant alleles.
Comment: POLE: BP4, BS1

Labcorp Genetics (formerly Invitae), Labcorp
Classification: Benign. Last evaluated: 2026-02-03. Review status: criteria provided, single submitter. Criteria: Invitae Variant Classification Sherloc (09022015). Collection method: clinical testing. Allele origin: germline.

Dasa
Classification: Likely benign. Last evaluated: 2025-11-19. Review status: criteria provided, single submitter. Criteria: DASA Assertion Criteria. Collection method: clinical testing. Allele origin: germline.
Comment: NM_006231.4(POLE):c.2089C>T (p.Pro697Ser) is a missense variant that results in the substitution of proline with serine. Population frequency is inconsistent with a disease-causing role for this variant, and observations in unaffected individuals support a benign interpretation. Computational prediction algorithms are consistent with a benign effect. Therefore, based on the currently available evidence, this variant is classified as likely benign.

Center for Genomic Medicine, Rigshospitalet, Copenhagen University Hospital
Classification: Benign. Last evaluated: 2025-03-04. Review status: criteria provided, single submitter. Criteria: ACMG Guidelines, 2015. Collection method: clinical testing. Allele origin: germline.

KCCC/NGS Laboratory, Kuwait Cancer Control Center
Classification: Benign for Colorectal cancer, susceptibility to, 12. Last evaluated: 2023-07-07. Review status: criteria provided, single submitter. Criteria: ACMG Guidelines, 2015. Collection method: clinical testing. Allele origin: germline. Affected: yes.

Sema4
Classification: Benign for Hereditary cancer-predisposing syndrome. Last evaluated: 2020-04-17. Review status: criteria provided, single submitter. Criteria: Sema4 Curation Guidelines. Collection method: curation. Allele origin: germline.

Women's Health and Genetics/Laboratory Corporation of America, LabCorp
Classification: Benign. Last evaluated: 2019-11-26. Review status: criteria provided, single submitter. Criteria: LabCorp Variant Classification Summary - May 2015. Collection method: clinical testing. Allele origin: germline.
Comment: Variant summary: POLE c.2089C>T (p.Pro697Ser) results in a non-conservative amino acid change located in the DNA-directed DNA polymerase, family B, multifunctional domain of the encoded protein sequence. Four of five in-silico tools predict a benign effect of the variant on protein function. The variant allele was found at a frequency of 0.001 in 250172 control chromosomes, predominantly at a frequency of 0.012 within the African or African-American subpopulation in the gnomAD database, including 3 homozygotes. The observed variant frequency within African or African-American control individuals in the gnomAD database is approximately 845 fold of the estimated maximal expected allele frequency for a pathogenic variant in POLE causing Colorectal Cancer phenotype (1.4e-05), strongly suggesting that the variant is a benign polymorphism found primarily in populations of African or African-American origin. To our knowledge, no occurrence of c.2089C>T in individuals affected with Colorectal Cancer and no experimental evidence demonstrating its impact on protein function have been reported. Six clinical diagnostic laboratories have submitted clinical-significance assessments for this variant to ClinVar after 2014 without evidence for independent evaluation. All laboratories classified the variant as benign/likely benign. Based on the evidence outlined above, the variant was classified as benign.

ARUP Laboratories, Molecular Genetics and Genomics, ARUP Laboratories
Classification: Benign. Last evaluated: 2019-11-11. Review status: criteria provided, single submitter. Criteria: ARUP Molecular Germline Variant Investigation Process. Collection method: clinical testing. Allele origin: germline.

GeneDx
Classification: Benign. Last evaluated: 2018-01-09. Review status: criteria provided, single submitter. Criteria: GeneDx Variant Classification (06012015). Collection method: clinical testing. Allele origin: germline. Affected: yes.
Comment: This variant is considered likely benign or benign based on one or more of the following criteria: it is a conservative change, it occurs at a poorly conserved position in the protein, it is predicted to be benign by multiple in silico algorithms, and/or has population frequency not consistent with disease.

Quest Diagnostics Nichols Institute San Juan Capistrano
Classification: Benign. Last evaluated: 2017-12-08. Review status: criteria provided, single submitter. Criteria: Quest Diagnostics criteria. Collection method: clinical testing. Allele origin: unknown.

PreventionGenetics, part of Exact Sciences
Classification: Benign. Last evaluated: 2017-09-29. Review status: criteria provided, single submitter. Criteria: ACMG Guidelines, 2015. Collection method: clinical testing. Allele origin: germline.

Center for Pediatric Genomic Medicine, Children's Mercy Hospital and Clinics
Classification: Likely benign. Last evaluated: 2017-07-12. Review status: criteria provided, single submitter. Criteria: ACMG Guidelines, 2015. Collection method: clinical testing. Allele origin: germline.

Ambry Genetics
Classification: Likely benign for Hereditary cancer-predisposing syndrome. Last evaluated: 2015-06-17. Review status: criteria provided, single submitter. Criteria: Ambry Variant Classification Scheme 2023. Collection method: clinical testing. Allele origin: germline.

Breakthrough Genomics
Classification: Likely benign. Review status: criteria provided, single submitter. Criteria: ACMG Guidelines, 2015. Collection method: not provided. Allele origin: germline. Inheritance: Autosomal recessive inheritance. Affected: yes.

Department of Pathology and Laboratory Medicine, Sinai Health System
Classification: Benign for Malignant tumor of breast. Review status: no assertion criteria provided. Collection method: clinical testing. Allele origin: unknown. Affected: yes. Study: The Canadian Open Genetics Repository (COGR). Not counted in ClinVar's aggregate classification.
Comment: The POLE p.Pro697Ser variant was identified in 1 of 2080 proband chromosomes (frequency: 0.0005) from individuals with advanced cancer (Mandelker 2017). The variant was identified in dbSNP (rs5744800) as â€šÃ„Ãºwith uncertain significance, other alleleâ€šÃ„Ã¹ and ClinVar (classified as benign by Invitae, GeneDx, PreventionGenetics and Quest Diagnostics; and as likely benign by Ambry Genetics, Children's Mercy Hospital and 1 other submitter). The variant was identified in control databases in 384 of 281,564 chromosomes (4 homozygous) at a frequency of 0.001 (Genome Aggregation Database Feb 27, 2017). The variant was observed in the following populations: African in 331 of 24,940 chromosomes (freq: 0.01, increasing the likelihood this could be a low frequency benign variant), Latino in 36 of 35,200 chromosomes (freq: 0.001), Other in 3 of 7170 chromosomes (freq: 0.004), South Asian in 6 of 30,394 chromosomes (freq: 0.0002), European in 7 of 128,630 chromosomes (freq: 0.00005), and East Asian in 1 of 19,892 chromosomes (freq: 0.00005); it was not observed in the Ashkenazi Jewish or Finnish populations. The p.Pro697 residue is conserved in in mammals but not in more distantly related organisms however computational analyses (PolyPhen-2, SIFT, AlignGVGD, BLOSUM, MutationTaster) do not suggest a high likelihood of impact to the protein; this information is not predictive enough to rule out pathogenicity. The variant occurs outside of the splicing consensus sequence and in silico or computational prediction software programs (SpliceSiteFinder, MaxEntScan, NNSPLICE, GeneSplicer) do not predict a difference in splicing. In summary, based on the above information, this variant meets our laboratory's criteria to be classified as benign.